The following is an entry in ClinVar:

ClinVar aggregate classification (germline): Uncertain significance. Review status: criteria provided, single submitter (1 of 4 stars). 2 submissions from 2 submitters: Uncertain significance (1). 1 of the submissions does not count toward it. Last evaluated 2024-06-10.

Conditions:
SEMA3G-related disorder. Also called: SEMA3G-related condition.

gnomAD v4.1: 53 of 1,613,746 alleles (0.0033%); highest among the groups gnomAD compares: East Asian, 0.027%; no homozygotes.

Submissions (2):

Ambry Genetics
Classification: Uncertain significance. Last evaluated: 2024-06-10. Review status: criteria provided, single submitter. Criteria: Ambry Variant Classification Scheme 2023. Collection method: clinical testing. Allele origin: germline.

PreventionGenetics, part of Exact Sciences
Classification: Uncertain significance for SEMA3G-related condition. Last evaluated: 2024-09-11. Review status: no assertion criteria provided. Collection method: clinical testing. Allele origin: germline. Not counted in ClinVar's aggregate classification.
Comment: The SEMA3G c.383G>A variant is predicted to result in the amino acid substitution p.Arg128Gln. To our knowledge, this variant has not been reported in the literature. This variant is reported in 0.0044% of alleles in individuals of European (Non-Finnish) descent in gnomAD. At this time, the clinical significance of this variant is uncertain due to the absence of conclusive functional and genetic evidence.

NM_020163.3(SEMA3G):c.383G>A (p.Arg128Gln)

Gene: SEMA3G (semaphorin 3G; minus strand). Cytogenetic location: 3p21.1.
Variant type: single nucleotide variant.
Coding change: c.383G>A on transcript NM_020163.3 (MANE Select); coding-DNA position 383, G replaced by A.
Protein change: p.Arg128Gln; replaces arginine 128 with glutamine.
Molecular consequence: missense variant.
Genome position (GRCh38, 1-based): chr3:52,442,261, C>T on the plus strand (G>A on the coding strand, the complement: SEMA3G is on the minus strand). VCF-style: chr3-52442261-C-T. GRCh37 (hg19) VCF-style: chr3-52476277-C-T.
Other names: c.383G>A (NM_020163.2); short protein forms R128Q.
Identifiers: ClinVar variation 3317304 (VCV003317304.2).
Genomic context (GRCh38, chr3:52,442,261, plus strand): 5'-ACTGTGATGAGGGCACAGGTGGGCTGGAAGGCCCCAGTGCCACAGGCTAGCAGGTGGGTC[C>T]GGTTGTGAGGCTGTAGCACCCGCACGAAGTTGGCGCACTCTGTCTGCGGGGAGAAGGAGG-3'
Protein context (NP_064548.1, residues 118-138): NFVRVLQPHN[Arg128Gln]THLLACGTGA